The following is an entry in ClinVar:

NM_001003722.2(GLE1):c.449_457del (p.Trp150_Glu153delinsTer)

Gene: GLE1 (GLE1 RNA export mediator; plus strand). Cytogenetic location: 9q34.11.
Variant type: Deletion.
Coding change: c.449_457del on transcript NM_001003722.2 (MANE Select); coding-DNA positions 449 to 457, 9 bases deleted (GGCAGGAGG; older notation c.449_457delGGCAGGAGG).
Protein change: p.Trp150_Glu153delinsTer.
Molecular consequence: nonsense.
Genome position (GRCh38, 1-based): chr9:128,522,684-128,522,692, GGCAGGAGG deleted. VCF-style (leftmost placement, unchanged base first): chr9-128522683-TGGCAGGAGG-T. GRCh37 (hg19) VCF-style: chr9-131284962-TGGCAGGAGG-T.
Other names: c.449_457del, p.Trp150_Glu153delinsTer (NM_001411013.1, NM_001499.2).
Identifiers: ClinVar variation 2833096 (VCV002833096.3), dbSNP rs2540592837, ClinGen allele CA2739265087.
Genomic context (GRCh38, chr9:128,522,683, plus strand): 5'-GAGATTCCATCTTAAAAAAAAAAAAAAAAAAAAAAACCTTTTCAGGAGGGCCTGAGGCTA[TGGCAGGAGG>T]AGCAGGAGAGGAAGGTGCAAGCCCTCTCGGAGATGGCATCTGAACAACTGAAGCGGTTTG-3'

ClinVar aggregate classification (germline): Pathogenic (1 of 4 stars; one submission).

Submission:

Labcorp Genetics (formerly Invitae), Labcorp
Classification: Pathogenic. Last evaluated: 2023-04-15. Review status: criteria provided, single submitter. Criteria: Invitae Variant Classification Sherloc (09022015). Collection method: clinical testing. Allele origin: germline.
Comment: For these reasons, this variant has been classified as Pathogenic. This variant has not been reported in the literature in individuals affected with GLE1-related conditions. This variant is not present in population databases (gnomAD no frequency). This sequence change creates a premature translational stop signal (p.Trp150*) in the GLE1 gene. It is expected to result in an absent or disrupted protein product. Loss-of-function variants in GLE1 are known to be pathogenic (PMID: 18204449, 24243016, 27684565).

Literature cited by the submitters: PubMed 18204449; PubMed 24243016; PubMed 27684565.